The following is an entry in ClinVar:

NM_001048174.2(MUTYH):c.820G>A (p.Val274Met)

Gene: MUTYH (mutY DNA glycosylase; minus strand). Cytogenetic location: 1p34.1.
Variant type: single nucleotide variant.
Coding change: c.820G>A on transcript NM_001048174.2 (MANE Select); coding-DNA position 820, G replaced by A.
Protein change: p.Val274Met; replaces valine 274 with methionine.
Molecular consequence: missense variant. On other transcripts: non-coding transcript variant (2).
Genome position (GRCh38, 1-based): chr1:45,332,195, C>T on the plus strand (G>A on the coding strand, the complement: MUTYH is on the minus strand). VCF-style: chr1-45332195-C-T. GRCh37 (hg19) VCF-style: chr1-45797867-C-T.
Other names: c.904G>A, p.Val302Met (NM_001128425.2); c.865G>A, p.Val289Met (NM_001293190.2); c.853G>A, p.Val285Met (NM_001293191.2); c.544G>A, p.Val182Met (NM_001293192.2, NM_001293196.2); c.820G>A, p.Val274Met (NM_001293195.2, NM_001048171.2, NM_001048173.2); c.475G>A, p.Val159Met (NM_001350650.2, NM_001350651.2); c.895G>A, p.Val299Met (NM_012222.3); c.823G>A, p.Val275Met (NM_001048172.2); short protein forms V302M, V285M, V299M, V182M, V274M, V275M, V289M, V159M.
Identifiers: ClinVar variation 566388 (VCV000566388.10), dbSNP rs760889663, ClinGen allele CA059559.
Genomic context (GRCh38, chr1:45,332,195, plus strand): 5'-CTTCTCACTGCCCCTTCCCCAGTAGGCTTACTCTCTGGCGTGCCCGGCACAGGCTCTCCA[C>T]AGGGCACTGGCTGCACAGTGGGCGCTGTGGGGTACACACTGTGGCCCCTAGCTCCATGGC-3'
Protein context (NP_001041639.1, residues 264-284): PQRPLCSQCP[Val274Met]ESLCRARQRV

ClinVar aggregate classification (germline): Conflicting classifications of pathogenicity. Review status: criteria provided, conflicting classifications (1 of 4 stars). 3 submissions from 3 submitters: Uncertain significance (2); Likely benign (1). Last evaluated 2025-09-09.

Conditions:
Hereditary cancer-predisposing syndrome. Also called: Tumor predisposition; Neoplastic Syndromes, Hereditary; Hereditary neoplastic syndrome; Hereditary Cancer Syndrome. Identifiers: Orphanet 140162, MedGen C0027672, MeSH D009386, MONDO:0015356.
Familial adenomatous polyposis 2. Also called: MYH-associated polyposis; FAP type 2; COLORECTAL ADENOMATOUS POLYPOSIS, AUTOSOMAL RECESSIVE; ADENOMAS, MULTIPLE COLORECTAL, AUTOSOMAL RECESSIVE; MUTYH-related attenuated familial adenomatous polyposis; MUTYH Polyposis. Identifiers: Orphanet 220460, Orphanet 247798, MedGen C3272841, MONDO:0012041, OMIM 608456.

Allele frequency attached by ClinVar (database versions not stated): ExAC 0.00001.
gnomAD v4.1: 3 of 1,614,226 alleles (0.00019%); highest among the groups gnomAD compares: Non-Finnish European, 0.00025%; no homozygotes.

Submissions (3):

Ambry Genetics
Classification: Likely benign for Hereditary cancer-predisposing syndrome. Last evaluated: 2025-09-09. Review status: criteria provided, single submitter. Criteria: Ambry Variant Classification Scheme 2023. Collection method: clinical testing. Allele origin: germline.

Quest Diagnostics Nichols Institute San Juan Capistrano
Classification: Uncertain significance. Last evaluated: 2024-12-20. Review status: criteria provided, single submitter. Criteria: Quest Diagnostics criteria. Collection method: clinical testing. Allele origin: unknown.
Comment: The MUTYH c.904G>A (p.Val302Met) variant has not been reported in the published literature in individuals with MUTYH related disorders. In a large scale breast cancer association study, this variant has been observed in reportedly healthy individuals (PMID: 33471991 (2021), see also LOVD). The frequency of this variant in the general population (Genome Aggregation Database) is uninformative in the assessment of its pathogenicity. Analysis of this variant using bioinformatics tools for the prediction of the effect of amino acid changes on protein structure and function yielded conflicting predictions that this variant is benign or damaging. Based on the available information, we are unable to determine the clinical significance of this variant.

Labcorp Genetics (formerly Invitae), Labcorp
Classification: Uncertain significance for Familial adenomatous polyposis 2. Last evaluated: 2024-05-06. Review status: criteria provided, single submitter. Criteria: Invitae Variant Classification Sherloc (09022015). Collection method: clinical testing. Allele origin: germline.
Comment: This sequence change replaces valine, which is neutral and non-polar, with methionine, which is neutral and non-polar, at codon 302 of the MUTYH protein (p.Val302Met). This variant is present in population databases (rs760889663, gnomAD 0.0009%). This variant has not been reported in the literature in individuals affected with MUTYH-related conditions. ClinVar contains an entry for this variant (Variation ID: 566388). Algorithms developed to predict the effect of missense changes on protein structure and function output the following: SIFT: "Not Available"; PolyPhen-2: "Possibly Damaging"; Align-GVGD: "Not Available". The methionine amino acid residue is found in multiple mammalian species, which suggests that this missense change does not adversely affect protein function. In summary, the available evidence is currently insufficient to determine the role of this variant in disease. Therefore, it has been classified as a Variant of Uncertain Significance.

Literature cited by the submitters: PubMed 40738107 (cited by Ambry Genetics); PubMed 33471991 (cited by Quest Diagnostics Nichols Institute San Juan Capistrano).